The following is an entry in ClinVar:

ClinVar aggregate classification (germline): Uncertain significance. Review status: criteria provided, multiple submitters, no conflicts (2 of 4 stars). 3 submissions from 3 submitters: Uncertain significance (3). Last evaluated 2025-01-29.

Conditions:
TTC21B-related disorder. Also called: TTC21B-related disorders; TTC21B-related condition.
Nephronophthisis. Also called: Juvenile Nephronophthisis. Identifiers: Orphanet 655, MedGen C0687120, MONDO:0019005, HP:0000090.
Jeune thoracic dystrophy. Also called: Jeune syndrome; Infantile thoracic dystrophy; Thoracic pelvic phalangeal dystrophy; Jeune's syndrome; Chondroectodermal dysplasia-like syndrome; Short-rib thoracic dysplasia. Identifiers: Orphanet 474, MedGen C0265275, MONDO:0018770.
Nephronophthisis 12 (NPHP12). Identifiers: Orphanet 655, MedGen C3151186, MONDO:0013442, OMIM 613820.
Asphyxiating thoracic dystrophy 4 (SRTD4). Also called: SHORT-RIB THORACIC DYSPLASIA 4 WITH OR WITHOUT POLYDACTYLY; SHORT-RIB THORACIC DYSPLASIA 4. Identifiers: Orphanet 474, MedGen C3151185, MONDO:0013441, OMIM 613819.

Allele frequency attached by ClinVar (database versions not stated): gnomAD 0.00005 and 0.00006; TOPMed 0.00006; ESP Exome Variant Server 0.00015.
gnomAD v4.1: 14 of 1,613,846 alleles (0.00087%); highest among the groups gnomAD compares: African/African-American, 0.016%; no homozygotes.

Submissions (3):

PreventionGenetics, part of Exact Sciences
Classification: Uncertain significance for TTC21B-related condition. Last evaluated: 2025-01-29. Review status: criteria provided, single submitter. Criteria: ACMG Guidelines, 2015. Collection method: clinical testing. Allele origin: germline.
Comment: The TTC21B c.2230G>C variant is predicted to result in the amino acid substitution p.Ala744Pro. To our knowledge, this variant has not been reported in the literature. This variant is reported in 0.032% of alleles in individuals of African descent in gnomAD. At this time, the clinical significance of this variant is uncertain due to the absence of conclusive functional and genetic evidence.

Fulgent Genetics
Classification: Uncertain significance for Asphyxiating thoracic dystrophy 4; Nephronophthisis 12. Last evaluated: 2024-02-13. Review status: criteria provided, single submitter. Criteria: ACMG Guidelines, 2015. Collection method: clinical testing. Allele origin: germline.

Labcorp Genetics (formerly Invitae), Labcorp
Classification: Uncertain significance for Jeune thoracic dystrophy; Nephronophthisis. Last evaluated: 2022-10-24. Review status: criteria provided, single submitter. Criteria: Invitae Variant Classification Sherloc (09022015). Collection method: clinical testing. Allele origin: germline.
Comment: This sequence change replaces alanine, which is neutral and non-polar, with proline, which is neutral and non-polar, at codon 744 of the TTC21B protein (p.Ala744Pro). This variant is present in population databases (rs150783918, gnomAD 0.03%). This variant has not been reported in the literature in individuals affected with TTC21B-related conditions. ClinVar contains an entry for this variant (Variation ID: 1063508). Advanced modeling of protein sequence and biophysical properties (such as structural, functional, and spatial information, amino acid conservation, physicochemical variation, residue mobility, and thermodynamic stability) performed at Invitae indicates that this missense variant is not expected to disrupt TTC21B protein function. In summary, the available evidence is currently insufficient to determine the role of this variant in disease. Therefore, it has been classified as a Variant of Uncertain Significance.

NM_024753.5(TTC21B):c.2230G>C (p.Ala744Pro)

Gene: TTC21B (tetratricopeptide repeat domain 21B; minus strand). Cytogenetic location: 2q24.3.
Variant type: single nucleotide variant.
Coding change: c.2230G>C on transcript NM_024753.5 (MANE Select); coding-DNA position 2230, G replaced by C.
Protein change: p.Ala744Pro; replaces alanine 744 with proline.
Molecular consequence: missense variant.
Genome position (GRCh38, 1-based): chr2:165,912,606, C>G on the plus strand (G>C on the coding strand, the complement: TTC21B is on the minus strand). VCF-style: chr2-165912606-C-G. GRCh37 (hg19) VCF-style: chr2-166769116-C-G.
Other names: c.2230G>C (NM_024753.4); short protein forms A744P.
Identifiers: ClinVar variation 1063508 (VCV001063508.8), dbSNP rs150783918, ClinGen allele CA1941885.